The following is an entry in ClinVar:

NM_000303.3(PMM2):c.691G>T (p.Val231Leu)

Gene: PMM2 (phosphomannomutase 2; plus strand). Cytogenetic location: 16p13.2.
Variant type: single nucleotide variant.
Coding change: c.691G>T on transcript NM_000303.3 (MANE Select); coding-DNA position 691, G replaced by T.
Protein change: p.Val231Leu; replaces valine 231 with leucine.
Molecular consequence: missense variant.
Genome position (GRCh38, 1-based): chr16:8,847,775, G>T. VCF-style: chr16-8847775-G-T. GRCh37 (hg19) VCF-style: chr16-8941632-G-T.
Other names: short protein forms V231L.
Identifiers: ClinVar variation 3001933 (VCV003001933.3), dbSNP rs80338707, ClinGen allele CA394689577.

ClinVar aggregate classification (germline): Likely pathogenic (1 of 4 stars; one submission).

Conditions:
PMM2-congenital disorder of glycosylation. Also called: PMM2-CDG; Congenital disorder of glycosylation, type Ia; CDG Ia; JAEKEN SYNDROME; PHOSPHOMANNOMUTASE 2 DEFICIENCY; CARBOHYDRATE-DEFICIENT GLYCOPROTEIN SYNDROME, TYPE Ia. Identifiers: Orphanet 79318, MedGen C0349653, MONDO:0008907, OMIM 212065.

gnomAD v4.1: 5 of 1,614,038 alleles (0.00031%); highest among the groups gnomAD compares: Non-Finnish European, 0.00042%; no homozygotes.

Submission:

Labcorp Genetics (formerly Invitae), Labcorp
Classification: Likely pathogenic for PMM2-congenital disorder of glycosylation. Last evaluated: 2022-11-29. Review status: criteria provided, single submitter. Criteria: Invitae Variant Classification Sherloc (09022015). Collection method: clinical testing. Allele origin: germline.
Comment: This variant is not present in population databases (gnomAD no frequency). This sequence change replaces valine, which is neutral and non-polar, with leucine, which is neutral and non-polar, at codon 231 of the PMM2 protein (p.Val231Leu). This variant disrupts the p.Val231 amino acid residue in PMM2. Other variant(s) that disrupt this residue have been determined to be pathogenic (PMID: 9497260, 10386614, 10801058, 15844218, 23430838, 25355454). This suggests that this residue is clinically significant, and that variants that disrupt this residue are likely to be disease-causing. This variant has not been reported in the literature in individuals affected with PMM2-related conditions. Advanced modeling of protein sequence and biophysical properties (such as structural, functional, and spatial information, amino acid conservation, physicochemical variation, residue mobility, and thermodynamic stability) performed at Invitae indicates that this missense variant is expected to disrupt PMM2 protein function. In summary, the currently available evidence indicates that the variant is pathogenic, but additional data are needed to prove that conclusively. Therefore, this variant has been classified as Likely Pathogenic.

Literature cited by the submitters: PubMed 9497260; PubMed 10386614; PubMed 10801058; PubMed 15844218; PubMed 23430838; PubMed 25355454.